The following is an entry in ClinVar:

NM_003504.5(CDC45):c.373C>T (p.Leu125Phe)

Gene: CDC45 (cell division cycle 45; plus strand). Cytogenetic location: 22q11.21.
Variant type: single nucleotide variant.
Coding change: c.373C>T on transcript NM_003504.5 (MANE Select); coding-DNA position 373, C replaced by T.
Protein change: p.Leu125Phe; replaces leucine 125 with phenylalanine.
Molecular consequence: missense variant. On other transcripts: non-coding transcript variant (1).
Genome position (GRCh38, 1-based): chr22:19,483,892, C>T. VCF-style: chr22-19483892-C-T. GRCh37 (hg19) VCF-style: chr22-19471415-C-T.
Other names: c.373C>T, p.Leu125Phe (NM_001178010.2); c.235C>T, p.Leu79Phe (NM_001178011.2); c.337C>T, p.Leu113Phe (NM_001369291.1); short protein forms L113F, L125F, L79F.
Identifiers: ClinVar variation 1443376 (VCV001443376.8), dbSNP rs554571750, ClinGen allele CA10101028.

ClinVar aggregate classification (germline): Uncertain significance (1 of 4 stars; one submission).

Allele frequency attached by ClinVar (database versions not stated): gnomAD 0.00001; TOPMed 0.00001; gnomAD exomes 0.00003; ExAC 0.00005; 1000 Genomes Project 30x 0.00016; 1000 Genomes Project 0.00020.
gnomAD v4.1: 17 of 1,612,570 alleles (0.0011%); highest among the groups gnomAD compares: South Asian, 0.011%; no homozygotes.

Submission:

Labcorp Genetics (formerly Invitae), Labcorp
Classification: Uncertain significance. Last evaluated: 2020-12-28. Review status: criteria provided, single submitter. Criteria: Invitae Variant Classification Sherloc (09022015). Collection method: clinical testing. Allele origin: germline.
Comment: In summary, the available evidence is currently insufficient to determine the role of this variant in disease. Therefore, it has been classified as a Variant of Uncertain Significance. Algorithms developed to predict the effect of missense changes on protein structure and function are either unavailable or do not agree on the potential impact of this missense change (SIFT: "Deleterious"; PolyPhen-2: "Benign"; Align-GVGD: "Class C15"). This variant has not been reported in the literature in individuals with CDC45-related conditions. This variant is present in population databases (rs554571750, ExAC 0.04%). This sequence change replaces leucine with phenylalanine at codon 125 of the CDC45 protein (p.Leu125Phe). The leucine residue is highly conserved and there is a small physicochemical difference between leucine and phenylalanine.